The following is an entry in ClinVar:

NC_000005.9:g.(?_77385207)_(78135259_?)del

Genes: LHFPL2 (LHFPL tetraspan subfamily member 2; minus strand), AP3B1 (adaptor related protein complex 3 subunit beta 1; minus strand), ARSB (arylsulfatase B; minus strand), SCAMP1 (secretory carrier membrane protein 1; plus strand). Cytogenetic location: 5q14.1.
Variant type: Deletion.
Identifiers: ClinVar variation 1073286 (VCV001073286.2).

ClinVar aggregate classification (germline): Pathogenic (1 of 4 stars; one submission).

Conditions:
Mucopolysaccharidosis type 6 (MPS6). Also called: MPS 6; Maroteaux Lamy syndrome; MPS VI; N-ACETYLGALACTOSAMINE-4-SULFATASE DEFICIENCY; ARSB DEFICIENCY; ARYLSULFATASE B DEFICIENCY. Identifiers: Orphanet 583, MedGen C0026709, MONDO:0009661, OMIM 253200.

Submission:

Labcorp Genetics (formerly Invitae), Labcorp
Classification: Pathogenic for Mucopolysaccharidosis type 6. Last evaluated: 2022-09-13. Review status: criteria provided, single submitter. Criteria: Invitae Variant Classification Sherloc (09022015). Collection method: clinical testing. Allele origin: germline.
Comment: This variant is a gross deletion of the genomic region encompassing exon(s) 6-8 of the ARSB gene, which includes the termination codon. This deletion extends beyond the assayed region for this gene and therefore may encompass additional genes. While this deletion is not anticipated to lead to nonsense mediated decay, it is expected to alter mRNA translation or result in a truncated protein product. This variant has not been reported in the literature in individuals affected with ARSB-related conditions. This variant disrupts a region of the ARSB protein in which other variant(s) (p.Ser465*) have been determined to be pathogenic (PMID: 10036316, 17458871, 18486607). This suggests that this is a clinically significant region of the protein, and that variants that disrupt it are likely to be disease-causing. For these reasons, this variant has been classified as Pathogenic.

Literature cited by the submitters: PubMed 10036316; PubMed 17458871; PubMed 18486607.